The following is an entry in ClinVar:

ClinVar aggregate classification (germline): Benign (1 of 4 stars; one submission).

gnomAD v4.1: 19,040 of 1,610,872 alleles (1.2%); highest among the groups gnomAD compares: Non-Finnish European, 1.4%; 171 homozygotes.

Submission:

CeGaT Center for Human Genetics Tuebingen
Classification: Benign. Last evaluated: 2026-08-01. Review status: criteria provided, single submitter. Criteria: CeGaT Center For Human Genetics Tuebingen Variant Classification Criteria Version 2. Collection method: clinical testing. Allele origin: germline. Affected: yes. Observed: 2 variant alleles.
Comment: MED16: BS1, BS2

NM_005481.3(MED16):c.1209C>T (p.Ala403=)

Gene: MED16 (mediator complex subunit 16; minus strand). Cytogenetic location: 19p13.3.
Variant type: single nucleotide variant.
Coding change: c.1209C>T on transcript NM_005481.3 (MANE Select); coding-DNA position 1209, C replaced by T.
Protein change: p.Ala403=; no amino-acid change (alanine 403 retained).
Molecular consequence: synonymous variant.
Genome position (GRCh38, 1-based): chr19:880,081, G>A on the plus strand (C>T on the coding strand, the complement: MED16 is on the minus strand). VCF-style: chr19-880081-G-A. GRCh37 (hg19) VCF-style: chr19-880081-G-A.
Identifiers: ClinVar variation 4872014 (VCV004872014.2).